The following is an entry in ClinVar:

ClinVar aggregate classification (germline): Uncertain significance. Review status: criteria provided, multiple submitters, no conflicts (2 of 4 stars). 2 submissions from 2 submitters: Uncertain significance (2). Last evaluated 2021-08-19.

Conditions:
Aortic aneurysm, familial thoracic 4 (AAT4). Also called: AORTIC ANEURYSM/AORTIC DISSECTION AND PATENT DUCTUS ARTERIOSUS. Identifiers: MedGen C1851504, MONDO:0007568, OMIM 132900.

Allele frequency attached by ClinVar (database versions not stated): TOPMed below 0.00001; ExAC 0.00001; gnomAD 0.00001; ESP Exome Variant Server 0.00008.
gnomAD v4.1: 1 of 1,613,972 alleles (0.000062%); highest among the groups gnomAD compares: Non-Finnish European, 0.000085%; no homozygotes.

Submissions (2):

AiLife Diagnostics
Classification: Uncertain significance. Last evaluated: 2021-08-19. Review status: criteria provided, single submitter. Criteria: ACMG Guidelines, 2015. Collection method: clinical testing. Allele origin: germline. Affected: yes. Observed: 1 variant allele.

Labcorp Genetics (formerly Invitae), Labcorp
Classification: Uncertain significance for Aortic aneurysm, familial thoracic 4. Last evaluated: 2020-01-02. Review status: criteria provided, single submitter. Criteria: Invitae Variant Classification Sherloc (09022015). Collection method: clinical testing. Allele origin: germline.
Comment: Algorithms developed to predict the effect of missense changes on protein structure and function are either unavailable or do not agree on the potential impact of this missense change (SIFT: "Deleterious"; PolyPhen-2: "Probably Damaging"; Align-GVGD: "Class C0"). This variant has not been reported in the literature in individuals with MYH11-related conditions. This variant is present in population databases (rs374952057, ExAC 0.001%). This sequence change replaces glutamic acid with valine at codon 1556 of the MYH11 protein (p.Glu1556Val). The glutamic acid residue is highly conserved and there is a moderate physicochemical difference between glutamic acid and valine. Algorithms developed to predict the effect of sequence changes on RNA splicing suggest that this variant may create or strengthen a splice site, but this prediction has not been confirmed by published transcriptional studies. In summary, the available evidence is currently insufficient to determine the role of this variant in disease. Therefore, it has been classified as a Variant of Uncertain Significance.

NM_002474.3(MYH11):c.4646A>T (p.Glu1549Val)

Genes: MYH11 (myosin heavy chain 11; minus strand), NDE1 (nudE neurodevelopment protein 1; plus strand). Cytogenetic location: 16p13.11.
Variant type: single nucleotide variant.
Coding change: c.4646A>T on transcript NM_002474.3 (MANE Select); coding-DNA position 4646, A replaced by T.
Protein change: p.Glu1549Val; replaces glutamic acid 1549 with valine.
Molecular consequence: missense variant. On other transcripts: intron variant (2).
Genome position (GRCh38, 1-based): chr16:15,720,984, T>A on the plus strand (A>T on the coding strand, the complement: MYH11 is on the minus strand). VCF-style: chr16-15720984-T-A. GRCh37 (hg19) VCF-style: chr16-15814841-T-A.
Other names: c.4667A>T, p.Glu1556Val (NM_001040113.2, NM_001040114.2); c.4646A>T, p.Glu1549Val (NM_022844.3); c.948-3207T>A (NM_001143979.2, NM_017668.3); short protein forms E1549V, E1556V.
Identifiers: ClinVar variation 1057827 (VCV001057827.10), dbSNP rs374952057, ClinGen allele CA7921600.
Genomic context (GRCh38, chr16:15,720,984, plus strand): 5'-ATGTTGACTTCCAGCCGCAGTTTGGCGTCCTCCGTGGCTTGCAGCTCGTCCTCCAGCTCT[T>A]CCAGCTGCGTCTTCATCTCCTCCATCTGGGTCTCCAGGGCCCGCTTGGACTTCTCCAGCT-3'
Protein context (NP_002465.1, residues 1539-1559): TQMEEMKTQL[Glu1549Val]ELEDELQATE